The following is an entry in ClinVar:

NM_000744.7(CHRNA4):c.384-135_384-134insCGTGGGCATGGGTGTGGATGTGGGCGTGGGACGTGGG

Gene: CHRNA4 (cholinergic receptor nicotinic alpha 4 subunit; minus strand). Cytogenetic location: 20q13.33.
Variant type: Insertion.
Coding change: c.384-135_384-134insCGTGGGCATGGGTGTGGATGTGGGCGTGGGACGTGGG on transcript NM_000744.7 (MANE Select); 135 bases into the intron before coding-DNA position 384 through 134 bases into the intron before coding-DNA position 384, CGTGGGCATGGGTGTGGATGTGGGCGTGGGACGTGGG inserted.
Molecular consequence: intron variant.
Genome position: GRCh38: chr20:63,351,161-63,351,162. GRCh37 (hg19): chr20:61,982,513-61,982,514.
Other names: c.-145-135_-145-134insCGTGGGCATGGGTGTGGATGTGGGCGTGGGACGTGGG (NM_001256573.2).
Identifiers: ClinVar variation 680280 (VCV000680280.1), dbSNP rs1568811491, ClinGen allele CA636613682.

ClinVar aggregate classification (germline): Benign (1 of 4 stars; one submission).

Allele frequency attached by ClinVar (database versions not stated): gnomAD 0.21653.

Submission:

GeneDx
Classification: Benign. Last evaluated: 2018-06-19. Review status: criteria provided, single submitter. Criteria: GeneDx Variant Classification (06012015). Collection method: clinical testing. Allele origin: germline. Affected: yes.
Comment: This variant is considered likely benign or benign based on one or more of the following criteria: it is a conservative change, it occurs at a poorly conserved position in the protein, it is predicted to be benign by multiple in silico algorithms, and/or has population frequency not consistent with disease.